The following is an entry in ClinVar:

NM_016938.5(EFEMP2):c.1189G>A (p.Ala397Thr)

Genes: EFEMP2 (EGF-like fibulin extracellular matrix protein 2; minus strand), MUS81 (MUS81 structure-specific endonuclease subunit; plus strand). Cytogenetic location: 11q13.1.
Variant type: single nucleotide variant.
Coding change: c.1189G>A on transcript NM_016938.5 (MANE Select); coding-DNA position 1189, G replaced by A.
Protein change: p.Ala397Thr; replaces alanine 397 with threonine.
Molecular consequence: missense variant. On other transcripts: non-coding transcript variant (1).
Genome position (GRCh38, 1-based): chr11:65,867,061, C>T on the plus strand (G>A on the coding strand, the complement: EFEMP2 is on the minus strand). VCF-style: chr11-65867061-C-T. GRCh37 (hg19) VCF-style: chr11-65634532-C-T.
Other names: short protein forms A397T.
Identifiers: ClinVar variation 39009 (VCV000039009.5), dbSNP rs193302868, ClinGen allele CA281918.

ClinVar aggregate classification (germline): Pathogenic. Review status: criteria provided, single submitter (1 of 4 stars). 3 submissions from 3 submitters: Pathogenic (1). 2 of the submissions do not count toward it. Last evaluated 2024-09-10.

Conditions:
Cutis laxa, autosomal recessive, type 1B (ARCL1B). Also called: EFEMP2-Related Cutis Laxa; CUTIS LAXA, AUTOSOMAL RECESSIVE, TYPE IB. Identifiers: Orphanet 90349, MedGen C3280798, MONDO:0013754, OMIM 614437. Disease mechanism: loss of function.
Cutis laxa, autosomal recessive, type 1A (ARCL1A). Also called: Autosomal recessive cutis laxa type IA. Identifiers: Orphanet 90349, MedGen C5848058, MONDO:0009052, OMIM 219100.

Allele frequency attached by ClinVar (database versions not stated): gnomAD exomes below 0.00001.
gnomAD v4.1: 3 of 1,614,144 alleles (0.00019%); highest among the groups gnomAD compares: Non-Finnish European, 0.00025%; no homozygotes.

Submissions (3):

Women's Health and Genetics/Laboratory Corporation of America, LabCorp
Classification: Pathogenic for Cutis laxa, autosomal recessive, type 1B. Last evaluated: 2024-09-10. Review status: criteria provided, single submitter. Criteria: LabCorp Variant Classification Summary - May 2015. Collection method: clinical testing. Allele origin: germline.
Comment: Variant summary: EFEMP2 c.1189G>A (p.Ala397Thr) results in a non-conservative amino acid change located in the Fibulin, C-terminal Ig-like domain (IPR055088) of the encoded protein sequence. Five of five in-silico tools predict a damaging effect of the variant on protein function. The variant was absent in 251228 control chromosomes (gnomAD). c.1189G>A has been reported in the literature in multiple individuals affected with Autosomal Recessive Cutis Laxa (e.g. Sulu_2019). These data indicate that the variant is very likely to be associated with disease. ClinVar contains an entry for this variant (Variation ID: 39009). Based on the evidence outlined above, the variant was classified as pathogenic.

OMIM
Classification: Pathogenic for CUTIS LAXA, AUTOSOMAL RECESSIVE, TYPE IB. Last evaluated: 2010-08-01. Review status: no assertion criteria provided. Collection method: literature only. Allele origin: germline. Not counted in ClinVar's aggregate classification.

GeneReviews
No classification provided. Condition: Autosomal recessive cutis laxa type 1. Review status: no classification provided. Collection method: literature only. Allele origin: unknown. Not counted in ClinVar's aggregate classification.

Literature cited by the submitters: PubMed 31384147 (cited by Women's Health and Genetics/Laboratory Corporation of America, LabCorp); PubMed 15776121 (cited by OMIM); PubMed 20389311 (cited by OMIM); PubMed 21563328 (cited by GeneReviews); NCBI Bookshelf NBK54467 (cited by GeneReviews).